The following is an entry in ClinVar:

ClinVar aggregate classification (germline): Uncertain significance. Review status: criteria provided, multiple submitters, no conflicts (2 of 4 stars). 3 submissions from 3 submitters: Uncertain significance (3). Last evaluated 2025-09-22.

Conditions:
Inborn genetic diseases. Identifiers: MedGen C0950123, MeSH D030342.
LAMA2-related muscular dystrophy (LAMA2-RD). Also called: Laminin alpha 2-related dystrophy. Identifiers: MedGen C5679788, MONDO:0100228.

gnomAD v4.1: 41 of 1,612,284 alleles (0.0025%); highest among the groups gnomAD compares: Non-Finnish European, 0.0034%; no homozygotes.

Submissions (3):

Ambry Genetics
Classification: Uncertain significance for Inborn genetic diseases. Last evaluated: 2025-09-22. Review status: criteria provided, single submitter. Criteria: Ambry Variant Classification Scheme 2023. Collection method: clinical testing. Allele origin: germline.

Women's Health and Genetics/Laboratory Corporation of America, LabCorp
Classification: Uncertain significance. Last evaluated: 2024-11-29. Review status: criteria provided, single submitter. Criteria: LabCorp Variant Classification Summary - May 2015. Collection method: clinical testing. Allele origin: germline.
Comment: Variant summary: LAMA2 c.7112T>C (p.Phe2371Ser) results in a non-conservative amino acid change located in the Lamnin G domain of the encoded protein sequence. Three of five in-silico tools predict a damaging effect of the variant on protein function. The variant allele was found at a frequency of 2e-05 in 250826 control chromosomes. The available data on variant occurrences in the general population are insufficient to allow any conclusion about variant significance. To our knowledge, no occurrence of c.7112T>C in individuals affected with Merosin deficient congenital muscular dystrophy and no experimental evidence demonstrating its impact on protein function have been reported. ClinVar contains an entry for this variant (Variation ID: 1394950). Based on the evidence outlined above, the variant was classified as uncertain significance.

Labcorp Genetics (formerly Invitae), Labcorp
Classification: Uncertain significance for LAMA2-related muscular dystrophy. Last evaluated: 2021-12-02. Review status: criteria provided, single submitter. Criteria: Invitae Variant Classification Sherloc (09022015). Collection method: clinical testing. Allele origin: germline.
Comment: This sequence change replaces phenylalanine, which is neutral and non-polar, with serine, which is neutral and polar, at codon 2371 of the LAMA2 protein (p.Phe2371Ser). This variant is present in population databases (rs201274841, gnomAD 0.004%). This variant has not been reported in the literature in individuals affected with LAMA2-related conditions. Algorithms developed to predict the effect of missense changes on protein structure and function are either unavailable or do not agree on the potential impact of this missense change (SIFT: "Deleterious"; PolyPhen-2: "Probably Damaging"; Align-GVGD: "Class C0"). In summary, the available evidence is currently insufficient to determine the role of this variant in disease. Therefore, it has been classified as a Variant of Uncertain Significance.

NM_000426.4(LAMA2):c.7112T>C (p.Phe2371Ser)

Gene: LAMA2 (laminin subunit alpha 2; plus strand). Cytogenetic location: 6q22.33.
Variant type: single nucleotide variant.
Coding change: c.7112T>C on transcript NM_000426.4 (MANE Select); coding-DNA position 7112, T replaced by C.
Protein change: p.Phe2371Ser; replaces phenylalanine 2371 with serine.
Molecular consequence: missense variant.
Genome position (GRCh38, 1-based): chr6:129,464,409, T>C. VCF-style: chr6-129464409-T-C. GRCh37 (hg19) VCF-style: chr6-129785554-T-C.
Other names: c.7112T>C, p.Phe2371Ser (NM_001079823.2); c.7112T>C (NM_000426.3); short protein forms F2371S.
Identifiers: ClinVar variation 1394950 (VCV001394950.10), dbSNP rs201274841, ClinGen allele CA3994443.